The following is an entry in ClinVar:

NM_001844.5(COL2A1):c.4310_4313dup (p.Cys1438fs)

Gene: COL2A1 (collagen type II alpha 1 chain; minus strand). Cytogenetic location: 12q13.11.
Variant type: Duplication.
Coding change: c.4310_4313dup on transcript NM_001844.5 (MANE Select); coding-DNA positions 4310 to 4313, 4 bases duplicated (GCTG; older notation c.4310_4313dupGCTG).
Protein change: p.Cys1438fs; shifts the reading frame from cysteine 1438.
Molecular consequence: frameshift variant.
Genome position (GRCh38, 1-based): chr12:47,974,093-47,974,096, CAGC duplicated on the plus strand (GCTG on the coding strand, the reverse complement: COL2A1 is on the minus strand); duplicating any 4 consecutive bases within chr12:47,974,093-47,974,098 gives the same sequence; the c. name uses the placement nearest the transcript's 3' end. VCF-style (leftmost placement, unchanged base first): chr12-47974092-G-GCAGC. GRCh37 (hg19) VCF-style: chr12-48367875-G-GCAGC.
Other names: c.4103_4106dup, p.Cys1369fs (NM_033150.3); short protein forms C1438fs, C1369fs.
Identifiers: ClinVar variation 1457309 (VCV001457309.6), dbSNP rs2136504769, ClinGen allele CA2573148571.
Genomic context (GRCh38, chr12:47,974,092, plus strand): 5'-GCCCTGCTCCAGGCGGTTTGGGCACAGGCAGCTCTTCTCTCTGGCAGCCCCACTCACCGT[G>GCAGC]CAGCCATCCTTCAGGGCAGTGTACGTGAACCTGCTATTGCCCTCTGCCCGGATCTCCACG-3'

ClinVar aggregate classification (germline): Pathogenic (1 of 4 stars; one submission).

Submission:

Labcorp Genetics (formerly Invitae), Labcorp
Classification: Pathogenic. Last evaluated: 2022-11-22. Review status: criteria provided, single submitter. Criteria: Invitae Variant Classification Sherloc (09022015). Collection method: clinical testing. Allele origin: germline.
Comment: For these reasons, this variant has been classified as Pathogenic. This variant disrupts a region of the COL2A1 protein in which other variant(s) (p.Lys1444Asnfs*27) have been determined to be pathogenic (PMID: 23545312). This suggests that this is a clinically significant region of the protein, and that variants that disrupt it are likely to be disease-causing. ClinVar contains an entry for this variant (Variation ID: 1457309). This variant has not been reported in the literature in individuals affected with COL2A1-related conditions. This variant is not present in population databases (gnomAD no frequency). This sequence change creates a premature translational stop signal (p.Cys1438Trpfs*8) in the COL2A1 gene. While this is not anticipated to result in nonsense mediated decay, it is expected to disrupt the last 50 amino acid(s) of the COL2A1 protein.

Literature cited by the submitters: PubMed 23545312.